The following is an entry in ClinVar:

ClinVar aggregate classification (germline): Uncertain significance. Review status: criteria provided, multiple submitters, no conflicts (2 of 4 stars). 3 submissions from 3 submitters: Uncertain significance (2). 1 of the submissions does not count toward it. Last evaluated 2025-06-22.

Allele frequency attached by ClinVar (database versions not stated): gnomAD 0.00042; ESP Exome Variant Server 0.00046; 1000 Genomes Project 30x 0.00016; 1000 Genomes Project 0.00020; gnomAD exomes 0.00037; TOPMed 0.00037; ExAC 0.00039.
gnomAD v4.1: 993 of 1,614,208 alleles (0.062%); highest among the groups gnomAD compares: Non-Finnish European, 0.078%; 1 homozygote.

Submissions (3):

Labcorp Genetics (formerly Invitae), Labcorp
Classification: Uncertain significance. Last evaluated: 2025-06-22. Review status: criteria provided, single submitter. Criteria: Invitae Variant Classification Sherloc (09022015). Collection method: clinical testing. Allele origin: germline.
Comment: This sequence change replaces serine, which is neutral and polar, with cysteine, which is neutral and slightly polar, at codon 48 of the UPB1 protein (p.Ser48Cys). This variant is present in population databases (rs145989498, gnomAD 0.07%). This variant has not been reported in the literature in individuals affected with UPB1-related conditions. ClinVar contains an entry for this variant (Variation ID: 100157). An algorithm developed to predict the effect of missense changes on protein structure and function outputs the following: PolyPhen-2: "Benign". The cysteine amino acid residue is found in multiple mammalian species, which suggests that this missense change does not adversely affect protein function. In summary, the available evidence is currently insufficient to determine the role of this variant in disease. Therefore, it has been classified as a Variant of Uncertain Significance.

CeGaT Center for Human Genetics Tuebingen
Classification: Uncertain significance. Last evaluated: 2024-11-01. Review status: criteria provided, single submitter. Criteria: CeGaT Center For Human Genetics Tuebingen Variant Classification Criteria Version 2. Collection method: clinical testing. Allele origin: germline. Affected: yes. Observed: 1 variant allele.
Comment: UPB1: PM2, BP4

Diasio Lab,  Mayo Clinic
No classification provided. Review status: no classification provided. Collection method: not provided. Allele origin: unknown. Not counted in ClinVar's aggregate classification.

NM_016327.3(UPB1):c.143C>G (p.Ser48Cys)

Gene: UPB1 (beta-ureidopropionase 1; plus strand). Cytogenetic location: 22q11.23.
Variant type: single nucleotide variant.
Coding change: c.143C>G on transcript NM_016327.3 (MANE Select); coding-DNA position 143, C replaced by G.
Protein change: p.Ser48Cys; replaces serine 48 with cysteine.
Molecular consequence: missense variant.
Genome position (GRCh38, 1-based): chr22:24,500,145, C>G. VCF-style: chr22-24500145-C-G. GRCh37 (hg19) VCF-style: chr22-24896113-C-G.
Other names: short protein forms S48C.
Identifiers: ClinVar variation 100157 (VCV000100157.21), dbSNP rs145989498, ClinGen allele CA228236.